The following is an entry in ClinVar:

ClinVar aggregate classification (germline): Uncertain significance. Review status: criteria provided, multiple submitters, no conflicts (2 of 4 stars). 2 submissions from 2 submitters: Uncertain significance (2). Last evaluated 2025-06-07.

Conditions:
Inborn genetic diseases. Identifiers: MedGen C0950123, MeSH D030342.
Fructose-biphosphatase deficiency (FBP1D). Also called: Fructose-1,6-Diphosphatase Deficiency; Fructose 1,6 Bisphosphatase Deficiency; Fructose-1,6-Bisphosphatase 1 Deficiency. Identifiers: Orphanet 348, MedGen C0016756, MONDO:0009251, OMIM 229700.

gnomAD v4.1: 8 of 1,612,812 alleles (0.0005%); highest among the groups gnomAD compares: Admixed American, 0.0033%; no homozygotes.

Submissions (2):

Ambry Genetics
Classification: Uncertain significance for Inborn genetic diseases. Last evaluated: 2025-06-07. Review status: criteria provided, single submitter. Criteria: Ambry Variant Classification Scheme 2023. Collection method: clinical testing. Allele origin: germline.

Labcorp Genetics (formerly Invitae), Labcorp
Classification: Uncertain significance for Fructose-biphosphatase deficiency. Last evaluated: 2022-05-24. Review status: criteria provided, single submitter. Criteria: Invitae Variant Classification Sherloc (09022015). Collection method: clinical testing. Allele origin: germline.
Comment: This sequence change replaces proline, which is neutral and non-polar, with leucine, which is neutral and non-polar, at codon 235 of the FBP1 protein (p.Pro235Leu). This variant is present in population databases (rs201064471, gnomAD 0.003%). This variant has not been reported in the literature in individuals affected with FBP1-related conditions. Algorithms developed to predict the effect of missense changes on protein structure and function output the following: SIFT: "Tolerated"; PolyPhen-2: "Benign"; Align-GVGD: "Class C0". The leucine amino acid residue is found in multiple mammalian species, which suggests that this missense change does not adversely affect protein function. In summary, the available evidence is currently insufficient to determine the role of this variant in disease. Therefore, it has been classified as a Variant of Uncertain Significance.

NM_000507.4(FBP1):c.704C>T (p.Pro235Leu)

Gene: FBP1 (fructose-bisphosphatase 1; minus strand). Cytogenetic location: 9q22.32.
Variant type: single nucleotide variant.
Coding change: c.704C>T on transcript NM_000507.4 (MANE Select); coding-DNA position 704, C replaced by T.
Protein change: p.Pro235Leu; replaces proline 235 with leucine.
Molecular consequence: missense variant.
Genome position (GRCh38, 1-based): chr9:94,606,816, G>A on the plus strand (C>T on the coding strand, the complement: FBP1 is on the minus strand). VCF-style: chr9-94606816-G-A. GRCh37 (hg19) VCF-style: chr9-97369098-G-A.
Other names: c.704C>T, p.Pro235Leu (NM_001127628.2); c.704C>T (NM_000507.3); short protein forms P235L.
Identifiers: ClinVar variation 2049427 (VCV002049427.2), dbSNP rs201064471, ClinGen allele CA5136163.